The following is an entry in ClinVar:

NM_022051.3(EGLN1):c.1249C>T (p.Pro417Ser)

Gene: EGLN1 (egl-9 family hypoxia inducible factor 1; minus strand). Cytogenetic location: 1q42.2.
Variant type: single nucleotide variant.
Coding change: c.1249C>T on transcript NM_022051.3 (MANE Select); coding-DNA position 1249, C replaced by T.
Protein change: p.Pro417Ser; replaces proline 417 with serine.
Molecular consequence: missense variant. On other transcripts: 3 prime UTR variant (2).
Genome position (GRCh38, 1-based): chr1:231,366,443, G>A on the plus strand (C>T on the coding strand, the complement: EGLN1 is on the minus strand). VCF-style: chr1-231366443-G-A. GRCh37 (hg19) VCF-style: chr1-231502189-G-A.
Other names: c.*29C>T (NM_001377260.1); c.*74C>T (NM_001377261.1); short protein forms P417S.
Identifiers: ClinVar variation 1760195 (VCV001760195.2), dbSNP rs1371537700, ClinGen allele CA345238385.

ClinVar aggregate classification (germline): Uncertain significance (1 of 4 stars; one submission).

Allele frequency attached by ClinVar (database versions not stated): TOPMed below 0.00001; gnomAD 0.00001.
gnomAD v4.1: 1 of 1,613,532 alleles (0.000062%); highest among the groups gnomAD compares: Non-Finnish European, 0.000085%; no homozygotes.

Submission:

Ambry Genetics
Classification: Uncertain significance. Last evaluated: 2022-09-08. Review status: criteria provided, single submitter. Criteria: Ambry Variant Classification Scheme 2023. Collection method: clinical testing. Allele origin: germline.
Comment: The p.P417S variant (also known as c.1249C>T), located in coding exon 5 of the EGLN1 gene, results from a C to T substitution at nucleotide position 1249. The proline at codon 417 is replaced by serine, an amino acid with similar properties. This amino acid position is conserved. In addition, this alteration is predicted to be tolerated by in silico analysis. Since supporting evidence is limited at this time, the clinical significance of this alteration remains unclear.